The following is an entry in ClinVar:

ClinVar aggregate classification (germline): Pathogenic (1 of 4 stars; one submission).

Submission:

Labcorp Genetics (formerly Invitae), Labcorp
Classification: Pathogenic. Last evaluated: 2022-09-12. Review status: criteria provided, single submitter. Criteria: Invitae Variant Classification Sherloc (09022015). Collection method: clinical testing. Allele origin: germline.
Comment: This sequence change creates a premature translational stop signal (p.Gln493*) in the MYSM1 gene. It is expected to result in an absent or disrupted protein product. Loss-of-function variants in MYSM1 are known to be pathogenic (PMID: 24288411, 28115216). This variant is not present in population databases (gnomAD no frequency). This variant has not been reported in the literature in individuals affected with MYSM1-related conditions. For these reasons, this variant has been classified as Pathogenic.

Literature cited by the submitters: PubMed 24288411; PubMed 28115216.

NM_001085487.3(MYSM1):c.1477C>T (p.Gln493Ter)

Gene: MYSM1 (Myb like, SWIRM and MPN domains 1; minus strand). Cytogenetic location: 1p32.1.
Variant type: single nucleotide variant.
Coding change: c.1477C>T on transcript NM_001085487.3 (MANE Select); coding-DNA position 1477, C replaced by T.
Protein change: p.Gln493Ter; replaces glutamine 493 with a stop codon.
Molecular consequence: nonsense.
Genome position (GRCh38, 1-based): chr1:58,675,494, G>A on the plus strand (C>T on the coding strand, the complement: MYSM1 is on the minus strand). VCF-style: chr1-58675494-G-A. GRCh37 (hg19) VCF-style: chr1-59141166-G-A.
Other names: short protein forms Q493*.
Identifiers: ClinVar variation 2026215 (VCV002026215.4), dbSNP rs1175570663, ClinGen allele CA340521311.